The following is an entry in ClinVar:

ClinVar aggregate classification (germline): Uncertain significance. Review status: criteria provided, multiple submitters, no conflicts (2 of 4 stars). 2 submissions from 2 submitters: Uncertain significance (2). Last evaluated 2025-05-31.

Conditions:
Hereditary cancer-predisposing syndrome. Also called: Neoplastic Syndromes, Hereditary; Tumor predisposition; Hereditary Cancer Syndrome; Hereditary neoplastic syndrome. Identifiers: Orphanet 140162, MedGen C0027672, MeSH D009386, MONDO:0015356.
Familial cancer of breast. Also called: BREAST CANCER, FAMILIAL; Hereditary breast cancer; hereditary breast carcinoma. Identifiers: Orphanet 227535, MedGen C0346153, MONDO:0016419, OMIM 114480. Disease mechanism: loss of function.

Submissions (2):

Ambry Genetics
Classification: Uncertain significance for Hereditary cancer-predisposing syndrome. Last evaluated: 2025-05-31. Review status: criteria provided, single submitter. Criteria: Ambry Variant Classification Scheme 2023. Collection method: clinical testing. Allele origin: germline.
Comment: The p.P388A variant (also known as c.1162C>G), located in coding exon 10 of the CHEK2 gene, results from a C to G substitution at nucleotide position 1162. The proline at codon 388 is replaced by alanine, an amino acid with highly similar properties. This amino acid position is highly conserved in available vertebrate species. In addition, this alteration is predicted to be deleterious by in silico analysis. Since supporting evidence is limited at this time, the clinical significance of this alteration remains unclear.

Labcorp Genetics (formerly Invitae), Labcorp
Classification: Uncertain significance for Familial cancer of breast. Last evaluated: 2024-07-17. Review status: criteria provided, single submitter. Criteria: Invitae Variant Classification Sherloc (09022015). Collection method: clinical testing. Allele origin: germline.
Comment: This sequence change replaces proline, which is neutral and non-polar, with alanine, which is neutral and non-polar, at codon 388 of the CHEK2 protein (p.Pro388Ala). This variant is not present in population databases (gnomAD no frequency). This variant has not been reported in the literature in individuals affected with CHEK2-related conditions. ClinVar contains an entry for this variant (Variation ID: 483391). An algorithm developed to predict the effect of missense changes on protein structure and function (PolyPhen-2) suggests that this variant is likely to be disruptive. In summary, the available evidence is currently insufficient to determine the role of this variant in disease. Therefore, it has been classified as a Variant of Uncertain Significance.

NM_007194.4(CHEK2):c.1162C>G (p.Pro388Ala)

Gene: CHEK2 (checkpoint kinase 2; minus strand). Cytogenetic location: 22q12.1.
Variant type: single nucleotide variant.
Coding change: c.1162C>G on transcript NM_007194.4 (MANE Select); coding-DNA position 1162, C replaced by G.
Protein change: p.Pro388Ala; replaces proline 388 with alanine.
Molecular consequence: missense variant.
Genome position (GRCh38, 1-based): chr22:28,695,807, G>C on the plus strand (C>G on the coding strand, the complement: CHEK2 is on the minus strand). VCF-style: chr22-28695807-G-C. GRCh37 (hg19) VCF-style: chr22-29091795-G-C.
Other names: c.1291C>G, p.Pro431Ala (NM_001005735.3); c.499C>G, p.Pro167Ala (NM_001257387.3); c.961C>G, p.Pro321Ala (NM_001349956.3); c.1075C>G, p.Pro359Ala (NM_145862.3); short protein forms P388A, P359A, P167A, P431A, P321A.
Identifiers: ClinVar variation 483391 (VCV000483391.13), dbSNP rs1555913811, ClinGen allele CA411096855.